The following is an entry in ClinVar:

NM_000553.6(WRN):c.1919A>G (p.Tyr640Cys)

Gene: WRN (WRN RecQ like helicase; plus strand). Cytogenetic location: 8p12.
Variant type: single nucleotide variant.
Coding change: c.1919A>G on transcript NM_000553.6 (MANE Select); coding-DNA position 1919, A replaced by G.
Protein change: p.Tyr640Cys; replaces tyrosine 640 with cysteine.
Molecular consequence: missense variant.
Genome position (GRCh38, 1-based): chr8:31,096,788, A>G. VCF-style: chr8-31096788-A-G. GRCh37 (hg19) VCF-style: chr8-30954304-A-G.
Other names: short protein forms Y640C.
Identifiers: ClinVar variation 648743 (VCV000648743.4), dbSNP rs1585449246, ClinGen allele CA370929643.

ClinVar aggregate classification (germline): Uncertain significance (1 of 4 stars; one submission).

Conditions:
Werner syndrome (WRN). Identifiers: Orphanet 902, MedGen C0043119, MONDO:0010196, OMIM 277700.

Allele frequency attached by ClinVar (database versions not stated): gnomAD exomes below 0.00001.
gnomAD v4.1: 1 of 1,608,880 alleles (0.000062%); highest among the groups gnomAD compares: Non-Finnish European, 0.000085%; no homozygotes.

Submission:

Labcorp Genetics (formerly Invitae), Labcorp
Classification: Uncertain significance for Werner syndrome. Last evaluated: 2024-08-22. Review status: criteria provided, single submitter. Criteria: Invitae Variant Classification Sherloc (09022015). Collection method: clinical testing. Allele origin: germline.
Comment: This sequence change replaces tyrosine, which is neutral and polar, with cysteine, which is neutral and slightly polar, at codon 640 of the WRN protein (p.Tyr640Cys). This variant is not present in population databases (gnomAD no frequency). This variant has not been reported in the literature in individuals affected with WRN-related conditions. ClinVar contains an entry for this variant (Variation ID: 648743). An algorithm developed to predict the effect of missense changes on protein structure and function (PolyPhen-2) suggests that this variant is likely to be disruptive. In summary, the available evidence is currently insufficient to determine the role of this variant in disease. Therefore, it has been classified as a Variant of Uncertain Significance.